The following is an entry in ClinVar:

ClinVar aggregate classification (germline): Uncertain significance (1 of 4 stars; one submission).

Allele frequency attached by ClinVar (database versions not stated): gnomAD exomes below 0.00001.
gnomAD v4.1: 1 of 1,613,978 alleles (0.000062%); highest among the groups gnomAD compares: Non-Finnish European, 0.000085%; no homozygotes.

Submission:

Labcorp Genetics (formerly Invitae), Labcorp
Classification: Uncertain significance. Last evaluated: 2023-12-09. Review status: criteria provided, single submitter. Criteria: Invitae Variant Classification Sherloc (09022015). Collection method: clinical testing. Allele origin: germline.
Comment: This sequence change replaces phenylalanine, which is neutral and non-polar, with leucine, which is neutral and non-polar, at codon 192 of the PPP2R1A protein (p.Phe192Leu). This variant is not present in population databases (gnomAD no frequency). This variant has not been reported in the literature in individuals affected with PPP2R1A-related conditions. Advanced modeling of protein sequence and biophysical properties (such as structural, functional, and spatial information, amino acid conservation, physicochemical variation, residue mobility, and thermodynamic stability) performed at Invitae indicates that this missense variant is not expected to disrupt PPP2R1A protein function with a negative predictive value of 80%. In summary, the available evidence is currently insufficient to determine the role of this variant in disease. Therefore, it has been classified as a Variant of Uncertain Significance.

NM_014225.6(PPP2R1A):c.576T>G (p.Phe192Leu)

Gene: PPP2R1A (protein phosphatase 2 scaffold subunit Aalpha; plus strand). Cytogenetic location: 19q13.41.
Variant type: single nucleotide variant.
Coding change: c.576T>G on transcript NM_014225.6 (MANE Select); coding-DNA position 576, T replaced by G.
Protein change: p.Phe192Leu; replaces phenylalanine 192 with leucine.
Molecular consequence: missense variant. On other transcripts: non-coding transcript variant (1).
Genome position (GRCh38, 1-based): chr19:52,212,758, T>G. VCF-style: chr19-52212758-T-G. GRCh37 (hg19) VCF-style: chr19-52716011-T-G.
Other names: c.39T>G, p.Phe13Leu (NM_001363656.2); short protein forms F13L, F192L.
Identifiers: ClinVar variation 2701846 (VCV002701846.3), dbSNP rs2122335183, ClinGen allele CA407183728.